The following is an entry in ClinVar:

NM_001379500.1(COL18A1):c.2578G>T (p.Val860Leu)

Gene: COL18A1 (collagen type XVIII alpha 1 chain; plus strand). Cytogenetic location: 21q22.3.
Variant type: single nucleotide variant.
Coding change: c.2578G>T on transcript NM_001379500.1 (MANE Select); coding-DNA position 2578, G replaced by T.
Protein change: p.Val860Leu; replaces valine 860 with leucine.
Molecular consequence: missense variant.
Genome position (GRCh38, 1-based): chr21:45,497,050, G>T. VCF-style: chr21-45497050-G-T. GRCh37 (hg19) VCF-style: chr21-46916964-G-T.
Other names: NM_130445.2:c.2578G>T; c.3118G>T, p.Val1040Leu (NM_030582.4); c.3823G>T, p.Val1275Leu (NM_130444.3); c.3118G>T (NM_030582.3); short protein forms V1040L, V1275L.
Identifiers: ClinVar variation 340250 (VCV000340250.12), dbSNP rs200779516, ClinGen allele CA10067213.

ClinVar aggregate classification (germline): Uncertain significance. Review status: criteria provided, multiple submitters, no conflicts (2 of 4 stars). 5 submissions from 5 submitters: Uncertain significance (5). Last evaluated 2026-01-26.

Conditions:
Knobloch syndrome (KNO). Also called: RETINAL DETACHMENT AND OCCIPITAL ENCEPHALOCELE; Myopia retinal detachment encephalocele. Identifiers: Orphanet 1571, MedGen C1849409, MONDO:0800166.
COL18A1-related disorder. Also called: COL18A1-related condition; COL18A1-related disorders.
Inborn genetic diseases. Identifiers: MedGen C0950123, MeSH D030342.

Allele frequency attached by ClinVar (database versions not stated): gnomAD 0.00005 and 0.00006; ExAC 0.00007; gnomAD exomes 0.00007; TOPMed 0.00008; ESP Exome Variant Server 0.00016.
gnomAD v4.1: 184 of 1,603,192 alleles (0.011%); highest among the groups gnomAD compares: Non-Finnish European, 0.015%; no homozygotes.

Submissions (7):

Labcorp Genetics (formerly Invitae), Labcorp
Classification: Uncertain significance. Last evaluated: 2026-01-26. Review status: criteria provided, single submitter. Criteria: Invitae Variant Classification Sherloc (09022015). Collection method: clinical testing. Allele origin: germline.
Comment: This sequence change replaces valine, which is neutral and non-polar, with leucine, which is neutral and non-polar, at codon 860 of the COL18A1 protein (p.Val860Leu). This variant is present in population databases (rs200779516, gnomAD 0.01%). This variant has not been reported in the literature in individuals affected with COL18A1-related conditions. ClinVar contains an entry for this variant (Variation ID: 340250). Experimental studies and prediction algorithms are not available or were not evaluated, and the functional significance of this variant is currently unknown. Algorithms developed to predict the effect of sequence changes on RNA splicing suggest that this variant may disrupt the consensus splice site. In summary, the available evidence is currently insufficient to determine the role of this variant in disease. Therefore, it has been classified as a Variant of Uncertain Significance.

PreventionGenetics, part of Exact Sciences
Classification: Uncertain significance for COL18A1-related condition. Last evaluated: 2024-12-13. Review status: criteria provided, single submitter. Criteria: ACMG Guidelines, 2015. Collection method: clinical testing. Allele origin: germline.
Comment: The COL18A1 c.3118G>T variant is predicted to result in the amino acid substitution p.Val1040Leu. To our knowledge, this variant has not been reported in the literature. This variant is present in 0.013% of alleles in individuals of European (Non-Finnish) descent in gnomAD. At this time, the clinical significance of this variant is uncertain due to the absence of conclusive functional and genetic evidence.

Blueprint Genetics
Classification: Uncertain significance. Last evaluated: 2024-11-11. Review status: criteria provided, single submitter. Criteria: ACMG Guidelines, 2015. Collection method: clinical testing. Allele origin: germline.

Ambry Genetics
Classification: Uncertain significance for Inborn genetic diseases. Last evaluated: 2024-02-21. Review status: criteria provided, single submitter. Criteria: Ambry Variant Classification Scheme 2023. Collection method: clinical testing. Allele origin: germline.

Illumina Laboratory Services, Illumina
Classification: Uncertain significance for Knobloch syndrome 1. Last evaluated: 2018-01-13. Review status: criteria provided, single submitter. Criteria: ICSL Variant Classification Criteria 13 December 2019. Collection method: clinical testing. Allele origin: germline.

Dr. Peter K. Rogan Lab, Western University
No classification provided (evidence only). Condition: Colon adenocarcinoma. Review status: no classification provided. Collection method: in vitro. Allele origin: not applicable. Functional consequence: retained intron. Not counted in ClinVar's aggregate classification.

Dr. Peter K. Rogan Lab, Western University
No classification provided (evidence only). Condition: Cervical cancer. Review status: no classification provided. Collection method: in vitro. Allele origin: not applicable. Functional consequence: retained intron. Not counted in ClinVar's aggregate classification.